The following is an entry in ClinVar:

NM_004958.4(MTOR):c.5636T>C (p.Met1879Thr)

Gene: MTOR (mechanistic target of rapamycin kinase; minus strand). Cytogenetic location: 1p36.22.
Variant type: single nucleotide variant.
Coding change: c.5636T>C on transcript NM_004958.4 (MANE Select); coding-DNA position 5636, T replaced by C.
Protein change: p.Met1879Thr; replaces methionine 1879 with threonine.
Molecular consequence: missense variant.
Genome position (GRCh38, 1-based): chr1:11,129,816, A>G on the plus strand (T>C on the coding strand, the complement: MTOR is on the minus strand). VCF-style: chr1-11129816-A-G. GRCh37 (hg19) VCF-style: chr1-11189873-A-G.
Other names: c.5636T>C, p.Met1879Thr (NM_001386500.1); c.4388T>C, p.Met1463Thr (NM_001386501.1); short protein forms M1463T, M1879T.
Identifiers: ClinVar variation 4860454 (VCV004860454.1).

ClinVar aggregate classification (germline): Uncertain significance (1 of 4 stars; one submission).

Conditions:
Inborn genetic diseases. Identifiers: MedGen C0950123, MeSH D030342.

Submission:

Ambry Genetics
Classification: Uncertain significance for Inborn genetic diseases. Last evaluated: 2026-04-08. Review status: criteria provided, single submitter. Criteria: Ambry Variant Classification Scheme 2023. Collection method: clinical testing. Allele origin: germline.
Comment: The c.5636T>C (p.M1879T) alteration is located in exon 40 (coding exon 39) of the MTOR gene. This alteration results from a T to C substitution at nucleotide position 5636, causing the methionine (M) at amino acid position 1879 to be replaced by a threonine (T). Based on data from gnomAD, the C allele has an overall frequency of 0.003% (1/31404) total alleles studied. The highest observed frequency was 0.012% (1/8712) of African alleles. Based on insufficient or conflicting evidence, the clinical significance of this alteration remains unclear.